The following is an entry in ClinVar:

ClinVar aggregate classification (germline): Uncertain significance (1 of 4 stars; one submission).

gnomAD v4.1: 27 of 1,613,316 alleles (0.0017%); highest among the groups gnomAD compares: South Asian, 0.0099%; no homozygotes.

Submission:

Ambry Genetics
Classification: Uncertain significance. Last evaluated: 2025-11-07. Review status: criteria provided, single submitter. Criteria: Ambry Variant Classification Scheme 2023. Collection method: clinical testing. Allele origin: germline.
Comment: The c.1615G>A (p.G539S) alteration is located in exon 14 (coding exon 14) of the FLII gene. This alteration results from a G to A substitution at nucleotide position 1615, causing the glycine (G) at amino acid position 539 to be replaced by a serine (S). Based on data from gnomAD, the A allele has an overall frequency of 0.002% (5/280852) total alleles studied. The highest observed frequency was 0.01% (3/30588) of South Asian alleles. Based on insufficient or conflicting evidence, the clinical significance of this alteration remains unclear.

NM_002018.4(FLII):c.1615G>A (p.Gly539Ser)

Gene: FLII (FLII actin remodeling protein; minus strand). Cytogenetic location: 17p11.2.
Variant type: single nucleotide variant.
Coding change: c.1615G>A on transcript NM_002018.4 (MANE Select); coding-DNA position 1615, G replaced by A.
Protein change: p.Gly539Ser; replaces glycine 539 with serine.
Molecular consequence: missense variant.
Genome position (GRCh38, 1-based): chr17:18,250,999, C>T on the plus strand (G>A on the coding strand, the complement: FLII is on the minus strand). VCF-style: chr17-18250999-C-T. GRCh37 (hg19) VCF-style: chr17-18154313-C-T.
Other names: c.1582G>A, p.Gly528Ser (NM_001256264.2); c.1450G>A, p.Gly484Ser (NM_001256265.2); short protein forms G484S, G539S, G528S.
Identifiers: ClinVar variation 4668887 (VCV004668887.1).